The following is an entry in ClinVar:

NM_015338.6(ASXL1):c.214dup (p.Tyr72fs)

Gene: ASXL1 (ASXL transcriptional regulator 1; plus strand). Cytogenetic location: 20q11.21.
Variant type: Duplication.
Coding change: c.214dup on transcript NM_015338.6 (MANE Select); coding-DNA position 214, one base duplicated (T; older notation c.214dupT).
Protein change: p.Tyr72fs; shifts the reading frame from tyrosine 72.
Molecular consequence: frameshift variant.
Genome position (GRCh38, 1-based): chr20:32,369,085, T duplicated; the last of 4 consecutive T bases (chr20:32,369,082-32,369,085); duplicating any one gives the same sequence. VCF-style (leftmost placement, unchanged base first): chr20-32369081-G-GT. GRCh37 (hg19) VCF-style: chr20-30956884-G-GT.
Other names: c.214dup, p.Tyr72fs (NM_001164603.1); c.184dup, p.Tyr62fs (NM_001363734.1); short protein forms Y62fs, Y72fs.
Identifiers: ClinVar variation 4854983 (VCV004854983.1).

ClinVar aggregate classification (germline): Likely pathogenic (1 of 4 stars; one submission).

Conditions:
Bohring-Opitz syndrome. Also called: C-LIKE SYNDROME; BOHRING SYNDROME; OPITZ TRIGONOCEPHALY-LIKE SYNDROME; ASXL1-Related Bohring-Opitz Syndrome. Identifiers: Orphanet 97297, MedGen C0796232, MONDO:0011510, OMIM 605039.

Submission:

3billion
Classification: Likely pathogenic for Bohring-Opitz syndrome. Last evaluated: 2025-05-29. Review status: criteria provided, single submitter. Criteria: ACMG Guidelines, 2015. Collection method: clinical testing. Allele origin: germline. Affected: yes.
Comment: The variant is not observed in the gnomAD v4.1.0 dataset. Predicted Consequence/Location: Frameshift: predicted to result in a loss or disruption of normal protein function through nonsense-mediated decay (NMD) or protein truncation. Multiple pathogenic variants are reported downstream of the variant. Therefore, this variant is classified as Likely pathogenic according to the recommendation of ACMG/AMP guideline.